The following is an entry in ClinVar:

ClinVar aggregate classification (germline): Uncertain significance (1 of 4 stars; one submission).

Submission:

GeneDx
Classification: Uncertain significance. Last evaluated: 2025-06-06. Review status: criteria provided, single submitter. Criteria: GeneDx Variant Classification Process June 2021. Collection method: clinical testing. Allele origin: germline. Affected: yes.
Comment: Not observed at significant frequency in large population cohorts (gnomAD); In silico analysis supports that this missense variant has a deleterious effect on protein structure/function; Has not been previously published as pathogenic or benign to our knowledge

NM_170784.3(MKKS):c.1229G>A (p.Gly410Asp)

Gene: MKKS (MKKS centrosomal shuttling protein; minus strand). Cytogenetic location: 20p12.2.
Variant type: single nucleotide variant.
Coding change: c.1229G>A on transcript NM_170784.3 (MANE Select); coding-DNA position 1229, G replaced by A.
Protein change: p.Gly410Asp; replaces glycine 410 with aspartic acid.
Molecular consequence: missense variant. On other transcripts: non-coding transcript variant (1).
Genome position (GRCh38, 1-based): chr20:10,407,659, C>T on the plus strand (G>A on the coding strand, the complement: MKKS is on the minus strand). VCF-style: chr20-10407659-C-T. GRCh37 (hg19) VCF-style: chr20-10388307-C-T.
Other names: c.1229G>A, p.Gly410Asp (NM_018848.3); short protein forms G410D.
Identifiers: ClinVar variation 4536548 (VCV004536548.1).